The following is an entry in ClinVar:

ClinVar aggregate classification (germline): Uncertain significance (1 of 4 stars; one submission).

Conditions:
Malignant hyperthermia, susceptibility to, 1 (MHS1). Also called: RYR1-Related Malignant Hyperthermia Susceptibility; Malignant hyperthermia suceptibility 1; Anesthesia related hyperthermia; Malignant hyperpyrexia; Fulminating hyperpyrexia; Pharmacogenic myopathy. Identifiers: Orphanet 423, MedGen C2930980, MONDO:0007783, OMIM 145600.

gnomAD v4.1: 1,562 of 1,614,108 alleles (0.097%); highest among the groups gnomAD compares: African/African-American, 0.16%; 1 homozygote.

Submission:

Leeds Institute of Medical Research, University of Leeds
Classification: Uncertain significance for Malignant hyperthermia, susceptibility to, 1. Review status: criteria provided, single submitter. Criteria: Johnston et al. (Hum Mol Genet. 2022). Collection method: research. Allele origin: germline. Affected: yes. Observed: 2 variant alleles, 1 heterozygote.
Comment: ACMG/AMP PP3 the CADD_PHRED score was 29.2 for this missense variant. The heterozygous variant was present at a low level in the UK BioBank (MAF 3.10E-06). It was present in 2 MH susceptible individuals within the same family in the n=100 MH susceptible individuals tested. Both individuals had a also had a diagnostic variant (BP5). Variants in SLC8A3 has not been previously identified as causative of the MH susceptible phenotype. Given the combined evidence it was classified as variant of uncertain significance.

NM_182932.3(SLC8A3):c.1064G>A (p.Arg355His)

Gene: SLC8A3 (solute carrier family 8 member A3; minus strand). Cytogenetic location: 14q24.2.
Variant type: single nucleotide variant.
Coding change: c.1064G>A on transcript NM_182932.3 (MANE Select); coding-DNA position 1064, G replaced by A.
Protein change: p.Arg355His; replaces arginine 355 with histidine.
Molecular consequence: missense variant. On other transcripts: non-coding transcript variant (1).
Genome position (GRCh38, 1-based): chr14:70,167,359, C>T on the plus strand (G>A on the coding strand, the complement: SLC8A3 is on the minus strand). VCF-style: chr14-70167359-C-T. GRCh37 (hg19) VCF-style: chr14-70634076-C-T.
Other names: c.1064G>A, p.Arg355His (NM_001438068.1, NM_001438069.1, NM_033262.5 and 2 more transcripts); short protein forms R355H.
Identifiers: ClinVar variation 4082272 (VCV004082272.1).